The following is an entry in ClinVar:

ClinVar aggregate classification (germline): Uncertain significance (1 of 4 stars; one submission).

Submission:

Quest Diagnostics Nichols Institute San Juan Capistrano
Classification: Uncertain significance. Last evaluated: 2024-01-02. Review status: criteria provided, single submitter. Criteria: Quest Diagnostics criteria. Collection method: clinical testing. Allele origin: unknown.
Comment: The SUFU c.1118T>C (p.Phe373Ser) variant has not been reported in individuals with SUFU-related conditions in the published literature. It also has not been reported in large, multi-ethnic general populations (Genome Aggregation Database). Analysis of this variant using bioinformatics tools for the prediction of the effect of amino acid changes on protein structure and function yielded predictions that this variant is damaging. Based on the available information, we are unable to determine the clinical significance of this variant.

NM_016169.4(SUFU):c.1118T>C (p.Phe373Ser)

Gene: SUFU (SUFU negative regulator of hedgehog signaling; plus strand). Cytogenetic location: 10q24.32.
Variant type: single nucleotide variant.
Coding change: c.1118T>C on transcript NM_016169.4 (MANE Select); coding-DNA position 1118, T replaced by C.
Protein change: p.Phe373Ser; replaces phenylalanine 373 with serine.
Molecular consequence: missense variant.
Genome position (GRCh38, 1-based): chr10:102,615,363, T>C. VCF-style: chr10-102615363-T-C. GRCh37 (hg19) VCF-style: chr10-104375120-T-C.
Other names: c.1118T>C, p.Phe373Ser (NM_001178133.2); short protein forms F373S.
Identifiers: ClinVar variation 3572275 (VCV003572275.1).